The following is an entry in ClinVar:

NM_000138.5(FBN1):c.5589dup (p.Gln1864fs)

Gene: FBN1 (fibrillin 1; minus strand). Cytogenetic location: 15q21.1.
Variant type: Duplication.
Coding change: c.5589dup on transcript NM_000138.5 (MANE Select); coding-DNA position 5589, one base duplicated (G; older notation c.5589dupG).
Protein change: p.Gln1864fs; shifts the reading frame from glutamine 1864.
Molecular consequence: frameshift variant.
Genome position (GRCh38, 1-based): chr15:48,448,850, C duplicated on the plus strand (G on the coding strand, the reverse complement: FBN1 is on the minus strand); the first of 3 consecutive C bases (chr15:48,448,850-48,448,852); duplicating any one gives the same sequence. VCF-style (leftmost placement, unchanged base first): chr15-48448849-G-GC. GRCh37 (hg19) VCF-style: chr15-48741046-G-GC.
Other names: c.5589dup, p.Gln1864fs (NM_001406716.1); c.5589dupG (NM_000138.4); short protein forms Q1864fs.
Identifiers: ClinVar variation 4871226 (VCV004871226.1).

ClinVar aggregate classification (germline): Pathogenic (1 of 4 stars; one submission).

Conditions:
Familial thoracic aortic aneurysm and aortic dissection (TAAD). Also called: Thoracic aortic aneurysms and dissections. Identifiers: Orphanet 91387, MedGen C4707243, MONDO:0019625.

Submission:

Ambry Genetics
Classification: Pathogenic for Familial thoracic aortic aneurysm and aortic dissection. Last evaluated: 2026-04-15. Review status: criteria provided, single submitter. Criteria: Ambry Variant Classification Scheme 2023. Collection method: clinical testing. Allele origin: germline.
Comment: The c.5589dupG pathogenic mutation, located in coding exon 45 of the FBN1 gene, results from a duplication of G at nucleotide position 5589, causing a translational frameshift with a predicted alternate stop codon (p.Q1864Afs*4). This variant was reported in individual(s) with features consistent with Marfan syndrome (Ambry internal data). This variant is considered to be rare based on population cohorts in the Genome Aggregation Database (gnomAD). This alteration is expected to result in loss of function by premature protein truncation or nonsense-mediated mRNA decay. As such, this alteration is interpreted as a disease-causing mutation.